The following is an entry in ClinVar:

ClinVar aggregate classification (germline): Uncertain significance (1 of 4 stars; one submission).

gnomAD v4.1: 8 of 1,613,320 alleles (0.0005%); highest among the groups gnomAD compares: African/African-American, 0.0013%; no homozygotes.

Submission:

GeneDx
Classification: Uncertain significance. Last evaluated: 2023-11-07. Review status: criteria provided, single submitter. Criteria: GeneDx Variant Classification Process June 2021. Collection method: clinical testing. Allele origin: germline. Affected: yes.
Comment: Has not been previously published as pathogenic or benign to our knowledge; Not observed at significant frequency in large population cohorts (gnomAD); In silico analysis supports that this missense variant does not alter protein structure/function

NM_002474.3(MYH11):c.5353A>C (p.Ser1785Arg)

Genes: MYH11 (myosin heavy chain 11; minus strand), NDE1 (nudE neurodevelopment protein 1; plus strand). Cytogenetic location: 16p13.11.
Variant type: single nucleotide variant.
Coding change: c.5353A>C on transcript NM_002474.3 (MANE Select); coding-DNA position 5353, A replaced by C.
Protein change: p.Ser1785Arg; replaces serine 1785 with arginine.
Molecular consequence: missense variant. On other transcripts: intron variant (2).
Genome position (GRCh38, 1-based): chr16:15,717,291, T>G on the plus strand (A>C on the coding strand, the complement: MYH11 is on the minus strand). VCF-style: chr16-15717291-T-G. GRCh37 (hg19) VCF-style: chr16-15811148-T-G.
Other names: c.5374A>C, p.Ser1792Arg (NM_001040113.2, NM_001040114.2); c.5353A>C, p.Ser1785Arg (NM_022844.3); c.948-6900T>G (NM_001143979.2, NM_017668.3); short protein forms S1785R, S1792R.
Identifiers: ClinVar variation 3363795 (VCV003363795.1).